The following is an entry in ClinVar:

NM_005188.4(CBL):c.44G>C (p.Ser15Thr)

Genes: CBL (Cbl proto-oncogene; plus strand), LOC130006895 (ATAC-STARR-seq lymphoblastoid silent region 3975; plus strand). Cytogenetic location: 11q23.3.
Variant type: single nucleotide variant.
Coding change: c.44G>C on transcript NM_005188.4 (MANE Select); coding-DNA position 44, G replaced by C.
Protein change: p.Ser15Thr; replaces serine 15 with threonine.
Molecular consequence: missense variant.
Genome position (GRCh38, 1-based): chr11:119,206,461, G>C. VCF-style: chr11-119206461-G-C. GRCh37 (hg19) VCF-style: chr11-119077171-G-C.
Other names: short protein forms S15T.
Identifiers: ClinVar variation 4868221 (VCV004868221.1).

ClinVar aggregate classification (germline): Uncertain significance (1 of 4 stars; one submission).

Conditions:
Cardiovascular phenotype. Identifiers: MedGen CN230736.

Submission:

Ambry Genetics
Classification: Uncertain significance for Cardiovascular phenotype. Last evaluated: 2026-04-11. Review status: criteria provided, single submitter. Criteria: Ambry Variant Classification Scheme 2023. Collection method: clinical testing. Allele origin: germline.
Comment: The p.S15T variant (also known as c.44G>C), located in coding exon 1 of the CBL gene, results from a G to C substitution at nucleotide position 44. The serine at codon 15 is replaced by threonine, an amino acid with similar properties. This amino acid position is conserved. In addition, this alteration is predicted to be tolerated by in silico analysis. Based on the available evidence, the clinical significance of this variant remains unclear.